The following is an entry in ClinVar:

NM_001127217.3(SMAD9):c.971C>T (p.Thr324Met)

Gene: SMAD9 (SMAD family member 9; minus strand). Cytogenetic location: 13q13.3.
Variant type: single nucleotide variant.
Coding change: c.971C>T on transcript NM_001127217.3 (MANE Select); coding-DNA position 971, C replaced by T.
Protein change: p.Thr324Met; replaces threonine 324 with methionine.
Molecular consequence: missense variant.
Genome position (GRCh38, 1-based): chr13:36,865,569, G>A on the plus strand (C>T on the coding strand, the complement: SMAD9 is on the minus strand). VCF-style: chr13-36865569-G-A. GRCh37 (hg19) VCF-style: chr13-37439706-G-A.
Other names: c.860C>T, p.Thr287Met (NM_001378621.1, NM_005905.6); short protein forms T324M, T287M.
Identifiers: ClinVar variation 2695366 (VCV002695366.2), dbSNP rs752874017, ClinGen allele CA6950425.

ClinVar aggregate classification (germline): Uncertain significance. Review status: criteria provided, multiple submitters, no conflicts (2 of 4 stars). 2 submissions from 2 submitters: Uncertain significance (2). Last evaluated 2024-05-22.

Conditions:
Pulmonary hypertension, primary, 2. Identifiers: Orphanet 422, MedGen C3888002, MONDO:0014134, OMIM 615342.

Allele frequency attached by ClinVar (database versions not stated): gnomAD 0.00003 and 0.00006; TOPMed 0.00005 and 0.00006; gnomAD exomes 0.00007 and 0.00008; ExAC 0.00008.
gnomAD v4.1: 103 of 1,613,710 alleles (0.0064%); highest among the groups gnomAD compares: Non-Finnish European, 0.0083%; no homozygotes.

Submissions (2):

Fulgent Genetics
Classification: Uncertain significance for Pulmonary hypertension, primary, 2. Last evaluated: 2024-05-22. Review status: criteria provided, single submitter. Criteria: ACMG Guidelines, 2015. Collection method: clinical testing. Allele origin: germline.

Labcorp Genetics (formerly Invitae), Labcorp
Classification: Uncertain significance for Pulmonary hypertension, primary, 2. Last evaluated: 2023-12-11. Review status: criteria provided, single submitter. Criteria: Invitae Variant Classification Sherloc (09022015). Collection method: clinical testing. Allele origin: germline.
Comment: This sequence change replaces threonine, which is neutral and polar, with methionine, which is neutral and non-polar, at codon 324 of the SMAD9 protein (p.Thr324Met). This variant is present in population databases (rs752874017, gnomAD 0.02%). This missense change has been observed in individual(s) with pulmonary arterial hypertension (PMID: 31727138). Advanced modeling of protein sequence and biophysical properties (such as structural, functional, and spatial information, amino acid conservation, physicochemical variation, residue mobility, and thermodynamic stability) performed at Invitae indicates that this missense variant is not expected to disrupt SMAD9 protein function with a negative predictive value of 80%. In summary, the available evidence is currently insufficient to determine the role of this variant in disease. Therefore, it has been classified as a Variant of Uncertain Significance.

Literature cited by the submitters: PubMed 31727138 (cited by Labcorp Genetics (formerly Invitae), Labcorp).